The following is an entry in ClinVar:

NM_006420.3(ARFGEF2):c.756C>T (p.Asn252=)

Gene: ARFGEF2 (ARF guanine nucleotide exchange factor 2; plus strand). Cytogenetic location: 20q13.13.
Variant type: single nucleotide variant.
Coding change: c.756C>T on transcript NM_006420.3 (MANE Select); coding-DNA position 756, C replaced by T.
Protein change: p.Asn252=; no amino-acid change (asparagine 252 retained).
Molecular consequence: synonymous variant.
Genome position (GRCh38, 1-based): chr20:48,953,708, C>T. VCF-style: chr20-48953708-C-T. GRCh37 (hg19) VCF-style: chr20-47570245-C-T.
Identifiers: ClinVar variation 434272 (VCV000434272.11), dbSNP rs114729625, ClinGen allele CA9898228.

ClinVar aggregate classification (germline): Benign/Likely benign. Review status: criteria provided, multiple submitters, no conflicts (2 of 4 stars). 3 submissions from 3 submitters: Benign (1); Likely benign (1). 1 of the submissions does not count toward it. Last evaluated 2025-07-22.

Conditions:
ARFGEF2-related disorder. Also called: ARFGEF2-related condition.

Allele frequency attached by ClinVar (database versions not stated): gnomAD exomes 0.00005 and 0.00012; ExAC 0.00012; TOPMed 0.00030; ESP Exome Variant Server 0.00031; gnomAD 0.00031; 1000 Genomes Project 30x 0.00062; 1000 Genomes Project 0.00080.
gnomAD v4.1: 113 of 1,614,158 alleles (0.007%); highest among the groups gnomAD compares: African/African-American, 0.095%; 1 homozygote.

Submissions (3):

Labcorp Genetics (formerly Invitae), Labcorp
Classification: Benign. Last evaluated: 2025-07-22. Review status: criteria provided, single submitter. Criteria: Invitae Variant Classification Sherloc (09022015). Collection method: clinical testing. Allele origin: germline.

Genetic Services Laboratory, University of Chicago
Classification: Likely benign. Last evaluated: 2017-05-01. Review status: criteria provided, single submitter. Criteria: ACMG Guidelines, 2015. Collection method: clinical testing. Allele origin: germline. Affected: no.

PreventionGenetics, part of Exact Sciences
Classification: Likely benign for ARFGEF2-related condition. Last evaluated: 2024-01-03. Review status: no assertion criteria provided. Collection method: clinical testing. Allele origin: germline. Not counted in ClinVar's aggregate classification.
Comment: This variant is classified as likely benign based on ACMG/AMP sequence variant interpretation guidelines (Richards et al. 2015 PMID: 25741868, with internal and published modifications).